The following is an entry in ClinVar:

ClinVar aggregate classification (germline): Uncertain significance (1 of 4 stars; one submission).

gnomAD v4.1: 1 of 1,613,384 alleles (0.000062%); no homozygotes.

Submission:

Labcorp Genetics (formerly Invitae), Labcorp
Classification: Uncertain significance. Last evaluated: 2025-04-04. Review status: criteria provided, single submitter. Criteria: Invitae Variant Classification Sherloc (09022015). Collection method: clinical testing. Allele origin: germline.
Comment: This sequence change replaces glycine, which is neutral and non-polar, with tryptophan, which is neutral and slightly polar, at codon 1101 of the FBN3 protein (p.Gly1101Trp). This variant is not present in population databases (gnomAD no frequency). This variant has not been reported in the literature in individuals affected with FBN3-related conditions. Invitae Evidence Modeling of protein sequence and biophysical properties (such as structural, functional, and spatial information, amino acid conservation, physicochemical variation, residue mobility, and thermodynamic stability) indicates that this missense variant is expected to disrupt FBN3 protein function with a positive predictive value of 80%. In summary, the available evidence is currently insufficient to determine the role of this variant in disease. Therefore, it has been classified as a Variant of Uncertain Significance.

NM_032447.5(FBN3):c.3301G>T (p.Gly1101Trp)

Gene: FBN3 (fibrillin 3; minus strand). Cytogenetic location: 19p13.2.
Variant type: single nucleotide variant.
Coding change: c.3301G>T on transcript NM_032447.5 (MANE Select); coding-DNA position 3301, G replaced by T.
Protein change: p.Gly1101Trp; replaces glycine 1101 with tryptophan.
Molecular consequence: missense variant.
Genome position (GRCh38, 1-based): chr19:8,118,933, C>A on the plus strand (G>T on the coding strand, the complement: FBN3 is on the minus strand). VCF-style: chr19-8118933-C-A. GRCh37 (hg19) VCF-style: chr19-8183817-C-A.
Other names: c.3301G>T, p.Gly1101Trp (NM_001321431.2); short protein forms G1101W.
Identifiers: ClinVar variation 4775888 (VCV004775888.1).